The following is an entry in ClinVar:

NM_001347721.2(DYRK1A):c.693G>A (p.Met231Ile)

Gene: DYRK1A (dual specificity tyrosine phosphorylation regulated kinase 1A; plus strand). Cytogenetic location: 21q22.13.
Variant type: single nucleotide variant.
Coding change: c.693G>A on transcript NM_001347721.2 (MANE Select); coding-DNA position 693, G replaced by A.
Protein change: p.Met231Ile; replaces methionine 231 with isoleucine.
Molecular consequence: missense variant.
Genome position (GRCh38, 1-based): chr21:37,490,230, G>A. VCF-style: chr21-37490230-G-A. GRCh37 (hg19) VCF-style: chr21-38862532-G-A.
Other names: c.693G>A, p.Met231Ile (NM_001347722.2, NM_130436.2); c.606G>A, p.Met202Ile (NM_001347723.2); c.720G>A, p.Met240Ile (NM_001396.5, NM_101395.2, NM_130438.2); short protein forms M240I, M202I, M231I.
Identifiers: ClinVar variation 1464334 (VCV001464334.6), dbSNP rs747214593, ClinGen allele CA10023843.

ClinVar aggregate classification (germline): Uncertain significance (1 of 4 stars; one submission).

Conditions:
DYRK1A-related intellectual disability syndrome (MRD7). Also called: DYRK1A Syndrome; Intellectual developmental disorder, autosomal dominant 7. Identifiers: Orphanet 464306, MedGen C5568143, MONDO:0013578, OMIM 614104.

Allele frequency attached by ClinVar (database versions not stated): gnomAD exomes below 0.00001; ExAC 0.00001.

Submission:

Labcorp Genetics (formerly Invitae), Labcorp
Classification: Uncertain significance for DYRK1A-related intellectual disability syndrome. Last evaluated: 2021-09-15. Review status: criteria provided, single submitter. Criteria: Invitae Variant Classification Sherloc (09022015). Collection method: clinical testing. Allele origin: germline.
Comment: In summary, the available evidence is currently insufficient to determine the role of this variant in disease. Therefore, it has been classified as a Variant of Uncertain Significance. Advanced modeling of protein sequence and biophysical properties (such as structural, functional, and spatial information, amino acid conservation, physicochemical variation, residue mobility, and thermodynamic stability) performed at Invitae indicates that this missense variant is not expected to disrupt DYRK1A protein function. This variant has not been reported in the literature in individuals affected with DYRK1A-related conditions. This variant is present in population databases (rs747214593, ExAC 0.002%). This sequence change replaces methionine with isoleucine at codon 240 of the DYRK1A protein (p.Met240Ile). The methionine residue is moderately conserved and there is a small physicochemical difference between methionine and isoleucine.